The following is an entry in ClinVar:

NM_005334.3(HCFC1):c.4242G>C (p.Gln1414His)

Gene: HCFC1 (host cell factor C1; minus strand). Cytogenetic location: Xq28.
Variant type: single nucleotide variant.
Coding change: c.4242G>C on transcript NM_005334.3 (MANE Select); coding-DNA position 4242, G replaced by C.
Protein change: p.Gln1414His; replaces glutamine 1414 with histidine.
Molecular consequence: missense variant.
Genome position (GRCh38, 1-based): chrX:153,954,157, C>G on the plus strand (G>C on the coding strand, the complement: HCFC1 is on the minus strand). VCF-style: chrX-153954157-C-G. GRCh37 (hg19) VCF-style: chrX-153219608-C-G.
Other names: short protein forms Q1414H.
Identifiers: ClinVar variation 654790 (VCV000654790.9), dbSNP rs1004412459, ClinGen allele CA337252104.

ClinVar aggregate classification (germline): Uncertain significance. Review status: criteria provided, multiple submitters, no conflicts (2 of 4 stars). 2 submissions from 2 submitters: Uncertain significance (2). Last evaluated 2025-05-29.

Conditions:
Inborn genetic diseases. Identifiers: MedGen C0950123, MeSH D030342.
Methylmalonic acidemia with homocystinuria, type cblX (MAHCX). Also called: INTELLECTUAL DEVELOPMENTAL DISORDER, X-LINKED 3. Identifiers: Orphanet 369962, MedGen C0796208, MONDO:0010657, OMIM 309541.

Allele frequency attached by ClinVar (database versions not stated): gnomAD exomes 0.00001 and 0.00002; TOPMed 0.00002; gnomAD 0.00001.
gnomAD v4.1: 24 of 1,204,587 alleles (0.002%); highest among the groups gnomAD compares: Non-Finnish European, 0.0024%; no homozygotes.

Submissions (2):

Ambry Genetics
Classification: Uncertain significance for Inborn genetic diseases. Last evaluated: 2025-05-29. Review status: criteria provided, single submitter. Criteria: Ambry Variant Classification Scheme 2023. Collection method: clinical testing. Allele origin: germline.

Labcorp Genetics (formerly Invitae), Labcorp
Classification: Uncertain significance for Methylmalonic acidemia with homocystinuria, type cblX. Last evaluated: 2024-11-22. Review status: criteria provided, single submitter. Criteria: Invitae Variant Classification Sherloc (09022015). Collection method: clinical testing. Allele origin: germline.
Comment: This sequence change replaces glutamine, which is neutral and polar, with histidine, which is basic and polar, at codon 1414 of the HCFC1 protein (p.Gln1414His). This variant is present in population databases (no rsID available, gnomAD 0.003%), including at least one homozygous and/or hemizygous individual. This missense change has been observed in individual(s) with clinical features of HCFC1-related conditions (internal data). ClinVar contains an entry for this variant (Variation ID: 654790). An algorithm developed to predict the effect of missense changes on protein structure and function (PolyPhen-2) suggests that this variant is likely to be disruptive. In summary, the available evidence is currently insufficient to determine the role of this variant in disease. Therefore, it has been classified as a Variant of Uncertain Significance.